The following is an entry in ClinVar:

ClinVar aggregate classification (germline): Uncertain significance (1 of 4 stars; one submission).

Conditions:
Hypertrophic cardiomyopathy. Also called: HYPERTROPHIC MYOCARDIOPATHY. Identifiers: Orphanet 217569, MedGen C0007194, MeSH D002312, MONDO:0005045, HP:0001639.

Allele frequency attached by ClinVar (database versions not stated): gnomAD 0.00001; gnomAD exomes 0.00001; TOPMed 0.00001; ExAC 0.00002.
gnomAD v4.1: 4 of 1,613,838 alleles (0.00025%); highest among the groups gnomAD compares: Non-Finnish European, 0.00034%; no homozygotes.

Submission:

Labcorp Genetics (formerly Invitae), Labcorp
Classification: Uncertain significance for Hypertrophic cardiomyopathy. Last evaluated: 2018-05-03. Review status: criteria provided, single submitter. Criteria: Invitae Variant Classification Sherloc (09022015). Collection method: clinical testing. Allele origin: germline.
Comment: This variant is present in population databases (rs746477848, ExAC 0.004%). This variant has not been reported in the literature in individuals with MYOM1-related disease. Algorithms developed to predict the effect of missense changes on protein structure and function do not agree on the potential impact of this missense change (SIFT: "Deleterious"; PolyPhen-2: "Benign"; Align-GVGD: "Class C0"). Algorithms developed to predict the effect of sequence changes on RNA splicing suggest that this variant may create or strengthen a splice site, but this prediction has not been confirmed by published transcriptional studies. In summary, the available evidence is currently insufficient to determine the role of this variant in disease. Therefore, it has been classified as a Variant of Uncertain Significance. This sequence change replaces arginine with glycine at codon 371 of the MYOM1 protein (p.Arg371Gly). The arginine residue is highly conserved and there is a moderate physicochemical difference between arginine and glycine.

NM_003803.4(MYOM1):c.1111A>G (p.Arg371Gly)

Gene: MYOM1 (myomesin 1; minus strand). Cytogenetic location: 18p11.31.
Variant type: single nucleotide variant.
Coding change: c.1111A>G on transcript NM_003803.4 (MANE Select); coding-DNA position 1111, A replaced by G.
Protein change: p.Arg371Gly; replaces arginine 371 with glycine.
Molecular consequence: missense variant.
Genome position (GRCh38, 1-based): chr18:3,174,120, T>C on the plus strand (A>G on the coding strand, the complement: MYOM1 is on the minus strand). VCF-style: chr18-3174120-T-C. GRCh37 (hg19) VCF-style: chr18-3174118-T-C.
Other names: c.1111A>G, p.Arg371Gly (NM_019856.2); short protein forms R371G.
Identifiers: ClinVar variation 1016593 (VCV001016593.8), dbSNP rs746477848, ClinGen allele CA8875063.